The following is an entry in ClinVar:

ClinVar aggregate classification (germline): Uncertain significance. Review status: criteria provided, multiple submitters, no conflicts (2 of 4 stars). 2 submissions from 2 submitters: Uncertain significance (2). Last evaluated 2024-02-16.

Conditions:
Autosomal recessive inherited pseudoxanthoma elasticum (PXE). Identifiers: Orphanet 758, MedGen CN032334, MONDO:0009925, OMIM 264800.

gnomAD v4.1: 2 of 1,612,500 alleles (0.00012%); highest among the groups gnomAD compares: East Asian, 0.0045%; no homozygotes.

Submissions (2):

3billion
Classification: Uncertain significance for Autosomal recessive inherited pseudoxanthoma elasticum. Last evaluated: 2024-02-16. Review status: criteria provided, single submitter. Criteria: ACMG Guidelines, 2015. Collection method: clinical testing. Allele origin: germline. Affected: yes.
Comment: The variant is observed at an extremely low frequency in the gnomAD v2.1.1 dataset (total allele frequency: <0.001%). Predicted Consequence/Location: Missense variant Therefore, this variant is classified as VUS according to the recommendation of ACMG/AMP guideline.

Labcorp Genetics (formerly Invitae), Labcorp
Classification: Uncertain significance. Last evaluated: 2022-01-05. Review status: criteria provided, single submitter. Criteria: Invitae Variant Classification Sherloc (09022015). Collection method: clinical testing. Allele origin: germline.
Comment: In summary, the available evidence is currently insufficient to determine the role of this variant in disease. Therefore, it has been classified as a Variant of Uncertain Significance. Advanced modeling of protein sequence and biophysical properties (such as structural, functional, and spatial information, amino acid conservation, physicochemical variation, residue mobility, and thermodynamic stability) performed at Invitae indicates that this missense variant is not expected to disrupt ABCC6 protein function. This variant has not been reported in the literature in individuals affected with ABCC6-related conditions. This variant is present in population databases (no rsID available, gnomAD 0.006%). This sequence change replaces threonine, which is neutral and polar, with proline, which is neutral and non-polar, at codon 1252 of the ABCC6 protein (p.Thr1252Pro).

NM_001171.6(ABCC6):c.3754A>C (p.Thr1252Pro)

Gene: ABCC6 (ATP binding cassette subfamily C member 6; minus strand). Cytogenetic location: 16p13.11.
Variant type: single nucleotide variant.
Coding change: c.3754A>C on transcript NM_001171.6 (MANE Select); coding-DNA position 3754, A replaced by C.
Protein change: p.Thr1252Pro; replaces threonine 1252 with proline.
Molecular consequence: missense variant. On other transcripts: non-coding transcript variant (1).
Genome position (GRCh38, 1-based): chr16:16,157,791, T>G on the plus strand (A>C on the coding strand, the complement: ABCC6 is on the minus strand). VCF-style: chr16-16157791-T-G. GRCh37 (hg19) VCF-style: chr16-16251648-T-G.
Other names: c.3412A>C, p.Thr1138Pro (NM_001351800.1); short protein forms T1252P, T1138P.
Identifiers: ClinVar variation 2075692 (VCV002075692.5), dbSNP rs1344983862, ClinGen allele CA394878164.